The following is an entry in ClinVar:

ClinVar aggregate classification (germline): Uncertain significance (1 of 4 stars; one submission).

Allele frequency attached by ClinVar (database versions not stated): TOPMed below 0.00001.

Submission:

GeneDx
Classification: Uncertain significance. Last evaluated: 2023-02-21. Review status: criteria provided, single submitter. Criteria: GeneDx Variant Classification Process June 2021. Collection method: clinical testing. Allele origin: germline. Affected: yes.
Comment: Not observed at significant frequency in large population cohorts (gnomAD); In silico analysis supports that this missense variant has a deleterious effect on protein structure/function; Has not been previously published as pathogenic or benign to our knowledge

NM_182641.4(BPTF):c.7136C>T (p.Pro2379Leu)

Gene: BPTF (bromodomain PHD finger transcription factor; plus strand). Cytogenetic location: 17q24.2.
Variant type: single nucleotide variant.
Coding change: c.7136C>T on transcript NM_182641.4 (MANE Select); coding-DNA position 7136, C replaced by T.
Protein change: p.Pro2379Leu; replaces proline 2379 with leucine.
Molecular consequence: missense variant.
Genome position (GRCh38, 1-based): chr17:67,945,844, C>T. VCF-style: chr17-67945844-C-T. GRCh37 (hg19) VCF-style: chr17-65941960-C-T.
Other names: c.7514C>T, p.Pro2505Leu (NM_004459.7); short protein forms P2379L, P2505L.
Identifiers: ClinVar variation 2576759 (VCV002576759.1), dbSNP rs2065771257, ClinGen allele CA400724440.